The following is an entry in ClinVar:

ClinVar aggregate classification (germline): Pathogenic/Likely pathogenic. Review status: criteria provided, multiple submitters, no conflicts (2 of 4 stars). 5 submissions from 5 submitters: Pathogenic (3); Likely pathogenic (1). 1 of the submissions does not count toward it. Last evaluated 2025-03-10.

Conditions:
Arthrogryposis, distal, with impaired proprioception and touch (DAIPT). Identifiers: MedGen C4310692, MONDO:0014941, OMIM 617146.

gnomAD v4.1: 7 of 1,537,130 alleles (0.00046%); highest among the groups gnomAD compares: South Asian, 0.0024%; no homozygotes.

Submissions (5):

Variantyx, Inc.
Classification: Likely pathogenic for Arthrogryposis, distal, with impaired proprioception and touch. Last evaluated: 2025-03-10. Review status: criteria provided, single submitter. Criteria: Variantyx Assertion Criteria 2022. Collection method: clinical testing. Allele origin: germline.
Comment: This is a nonsense variant in the PIEZO2 gene (OMIM: 613629). Pathogenic variants in this gene have been associated with autosomal recessive distal arthrogryposis with impaired proprioception and touch. This variant introduces a premature termination codon in exon 34 out of 56. It is expected to result in loss of function, which is a known disease mechanism for PIEZO2 in this disorder (PVS1) (PMID:27653382). This variant has a 0.0025% maximum allele frequency in non-founder control populations (PM2_Supporting). Based on the current evidence, this variant is classified as likely pathogenic for autosomal recessive distal arthrogryposis with impaired proprioception and touch.

Genomic Medicine Center of Excellence, King Faisal Specialist Hospital and Research Centre
Classification: Pathogenic for Arthrogryposis, distal, with impaired proprioception and touch. Last evaluated: 2024-12-18. Review status: criteria provided, single submitter. Criteria: ACMG Guidelines, 2015. Collection method: clinical testing. Allele origin: germline.

Revvity Omics, Revvity
Classification: Pathogenic. Last evaluated: 2019-10-07. Review status: criteria provided, single submitter. Criteria: ACMG Guidelines, 2015. Collection method: clinical testing. Allele origin: germline.

Labcorp Genetics (formerly Invitae), Labcorp
Classification: Pathogenic. Last evaluated: 2019-09-25. Review status: criteria provided, single submitter. Criteria: Invitae Variant Classification Sherloc (09022015). Collection method: clinical testing. Allele origin: germline.
Comment: For these reasons, this variant has been classified as Pathogenic. Loss-of-function variants in PIEZO2 are known to be pathogenic (PMID: 27653382, 27843126). This variant has been observed in individual(s) with arthrogryposis with impaired proprioception and touch (PMID: 27653382). In at least one individual the data is consistent with the variant being in trans (on the opposite chromosome) from a pathogenic variant. ClinVar contains an entry for this variant (Variation ID: 265868). This variant is not present in population databases (ExAC no frequency). This sequence change creates a premature translational stop signal (p.Arg1575*) in the PIEZO2 gene. It is expected to result in an absent or disrupted protein product.

OMIM
Classification: Pathogenic for ARTHROGRYPOSIS, DISTAL, WITH IMPAIRED PROPRIOCEPTION AND TOUCH. Last evaluated: 2018-09-11. Review status: no assertion criteria provided. Collection method: literature only. Allele origin: germline. Not counted in ClinVar's aggregate classification.

Literature cited by the submitters: PubMed 27653382 (cited by Labcorp Genetics (formerly Invitae), Labcorp and OMIM); PubMed 27843126 (cited by Labcorp Genetics (formerly Invitae), Labcorp).

NM_001378183.1(PIEZO2):c.4798C>T (p.Arg1600Ter)

Gene: PIEZO2 (piezo type mechanosensitive ion channel component 2; minus strand). Cytogenetic location: 18p11.22.
Variant type: single nucleotide variant.
Coding change: c.4798C>T on transcript NM_001378183.1 (MANE Select); coding-DNA position 4798, C replaced by T.
Protein change: p.Arg1600Ter; replaces arginine 1600 with a stop codon.
Molecular consequence: nonsense.
Genome position (GRCh38, 1-based): chr18:10,736,621, G>A on the plus strand (C>T on the coding strand, the complement: PIEZO2 is on the minus strand). VCF-style: chr18-10736621-G-A. GRCh37 (hg19) VCF-style: chr18-10736619-G-A.
Other names: c.4723C>T, p.Arg1575Ter (NM_022068.4); c.4723C>T (NM_022068.2); short protein forms R1575*, R1600*.
Identifiers: ClinVar variation 265868 (VCV000265868.16), dbSNP rs886039822, ClinGen allele CA10588851.
Genomic context (GRCh38, chr18:10,736,621, plus strand): 5'-AAGCTCTTCCAACTAGCAAAGAAATGATTTTCCCCATAATTACCTGGAATGCTGACCTTC[G>A]TGGAGGTTCTTCATCTTCCTTCTTTAATTCTTCCTCTTCCTCCTCTTCACTATCCGTTTC-3'